The following is an entry in ClinVar:

ClinVar aggregate classification (germline): Pathogenic (1 of 4 stars; one submission).

Conditions:
Ataxia-telangiectasia syndrome (AT). Also called: LOUIS-BAR SYNDROME; Ataxia-telangiectasia, complementation group E; Ataxia-telangiectasia, complementation group D; AT, COMPLEMENTATION GROUP C; Ataxia telangiectasia (A-T); Cerebello-oculocutaneous telangiectasia. Identifiers: Orphanet 100, MedGen C0004135, MONDO:0008840, OMIM 208900.

Submission:

Labcorp Genetics (formerly Invitae), Labcorp
Classification: Pathogenic for Ataxia-telangiectasia syndrome. Last evaluated: 2018-08-31. Review status: criteria provided, single submitter. Criteria: Invitae Variant Classification Sherloc (09022015). Collection method: clinical testing. Allele origin: germline.
Comment: This variant is an out-of-frame deletion of the genomic region encompassing exon 29 of the ATM gene. This is expected to create a premature translational stop signal and result in an absent or disrupted protein product. This variant has not been reported in the literature in individuals with ATM-related disease. Loss-of-function variants in ATM are known to be pathogenic (PMID: 23807571, 25614872). For these reasons, this variant has been classified as Pathogenic.

NC_000011.10:g.(?_108289582)_(108289821_?)del

Gene: ATM (ATM serine/threonine kinase; plus strand). Cytogenetic location: 11q22.3.
Variant type: Deletion.
Identifiers: ClinVar variation 644277 (VCV000644277.1).